The following is an entry in ClinVar:

ClinVar aggregate classification (germline): Uncertain significance. Review status: criteria provided, multiple submitters, no conflicts (2 of 4 stars). 3 submissions from 3 submitters: Uncertain significance (3). Last evaluated 2025-05-09.

Conditions:
Aortic aneurysm, familial thoracic 4 (AAT4). Also called: AORTIC ANEURYSM/AORTIC DISSECTION AND PATENT DUCTUS ARTERIOSUS. Identifiers: MedGen C1851504, MONDO:0007568, OMIM 132900.
Familial thoracic aortic aneurysm and aortic dissection (TAAD). Also called: Thoracic aortic aneurysms and dissections. Identifiers: Orphanet 91387, MedGen C4707243, MONDO:0019625.

Allele frequency attached by ClinVar (database versions not stated): gnomAD exomes below 0.00001.
gnomAD v4.1: 1 of 1,614,224 alleles (0.000062%); highest among the groups gnomAD compares: Non-Finnish European, 0.000085%; no homozygotes.

Submissions (3):

Labcorp Genetics (formerly Invitae), Labcorp
Classification: Uncertain significance for Aortic aneurysm, familial thoracic 4. Last evaluated: 2025-05-09. Review status: criteria provided, single submitter. Criteria: Invitae Variant Classification Sherloc (09022015). Collection method: clinical testing. Allele origin: germline.
Comment: This sequence change replaces lysine, which is basic and polar, with threonine, which is neutral and polar, at codon 877 of the MYH11 protein (p.Lys877Thr). This variant is not present in population databases (gnomAD no frequency). This variant has not been reported in the literature in individuals affected with MYH11-related conditions. ClinVar contains an entry for this variant (Variation ID: 921812). Invitae Evidence Modeling of protein sequence and biophysical properties (such as structural, functional, and spatial information, amino acid conservation, physicochemical variation, residue mobility, and thermodynamic stability) indicates that this missense variant is not expected to disrupt MYH11 protein function with a negative predictive value of 95%. In summary, the available evidence is currently insufficient to determine the role of this variant in disease. Therefore, it has been classified as a Variant of Uncertain Significance.

Color Diagnostics, LLC DBA Color Health
Classification: Uncertain significance for Familial thoracic aortic aneurysm and aortic dissection. Last evaluated: 2023-12-05. Review status: criteria provided, single submitter. Criteria: ACMG Guidelines, 2015. Collection method: clinical testing. Allele origin: germline.
Comment: This missense variant replaces lysine with threonine at codon 877 of the MYH11 protein. Computational prediction tools and conservation analyses suggest that this variant may have deleterious impact on the protein function. Computational splicing tools suggest that this variant may not impact RNA splicing. To our knowledge, functional assays have not been performed for this variant nor has this variant been reported in individuals affected with cardiovascular disorders in the literature. This variant has not been identified in the general population by the Genome Aggregation Database (gnomAD). Available evidence is insufficient to determine the role of this variant in disease conclusively. Therefore, this variant is classified as a Variant of Uncertain Significance.

All of Us Research Program, National Institutes of Health
Classification: Uncertain significance for Familial thoracic aortic aneurysm and aortic dissection. Last evaluated: 2023-04-27. Review status: criteria provided, single submitter. Criteria: ACMG Guidelines, 2015. Collection method: clinical testing. Allele origin: germline. Inheritance: Autosomal dominant inheritance. Observed: 1 variant allele, 1 heterozygote.
Comment: This missense variant replaces lysine with threonine at codon 877 of the MYH11 protein. Computational prediction tools and conservation analyses suggest that this variant may have deleterious impact on the protein function. Computational splicing tools suggest that this variant may not impact RNA splicing. To our knowledge, functional assays have not been performed for this variant nor has this variant been reported in individuals affected with cardiovascular disorders in the literature. This variant has not been identified in the general population by the Genome Aggregation Database (gnomAD). Available evidence is insufficient to determine the role of this variant in disease conclusively. Therefore, this variant is classified as a Variant of Uncertain Significance.

This study involves interpretation of variants in research participants for the purpose of population health screening. Participant phenotype was not available at the time of variant classification. Additional details can be found in publication PMID: 35346344, PMCID: PMC8962531

NM_002474.3(MYH11):c.2609A>C (p.Lys870Thr)

Gene: MYH11 (myosin heavy chain 11; minus strand). Cytogenetic location: 16p13.11.
Variant type: single nucleotide variant.
Coding change: c.2609A>C on transcript NM_002474.3 (MANE Select); coding-DNA position 2609, A replaced by C.
Protein change: p.Lys870Thr; replaces lysine 870 with threonine.
Molecular consequence: missense variant.
Genome position (GRCh38, 1-based): chr16:15,741,803, T>G on the plus strand (A>C on the coding strand, the complement: MYH11 is on the minus strand). VCF-style: chr16-15741803-T-G. GRCh37 (hg19) VCF-style: chr16-15835660-T-G.
Other names: c.2630A>C, p.Lys877Thr (NM_001040113.2, NM_001040114.2); c.2609A>C, p.Lys870Thr (NM_022844.3); short protein forms K877T, K870T.
Identifiers: ClinVar variation 921812 (VCV000921812.7), dbSNP rs867202175, ClinGen allele CA394866251.